The following is an entry in ClinVar:

NM_001036.6(RYR3):c.7977A>G (p.Thr2659=)

Gene: RYR3 (ryanodine receptor 3; plus strand). Cytogenetic location: 15q14.
Variant type: single nucleotide variant.
Coding change: c.7977A>G on transcript NM_001036.6 (MANE Select); coding-DNA position 7977, A replaced by G.
Protein change: p.Thr2659=; no amino-acid change (threonine 2659 retained).
Molecular consequence: synonymous variant.
Genome position (GRCh38, 1-based): chr15:33,746,145, A>G. VCF-style: chr15-33746145-A-G. GRCh37 (hg19) VCF-style: chr15-34038346-A-G.
Other names: c.7977A>G, p.Thr2659= (NM_001243996.4).
Identifiers: ClinVar variation 4983257 (VCV004983257.1).
Genomic context (GRCh38, chr15:33,746,145, plus strand): 5'-ATATGGGATTTCCCTGGATGAAAATGTGAAGACCCACCCACTGATAAGGCCTTTCAAGAC[A>G]TTAACGGAGAAGGTAAGAAGCAGGCCTCTGGTAACACTGTGTGACCATGCTGTTTCCTTC-3'
Protein context (NP_001027.3, residues 2649-2669): KTHPLIRPFK[Thr2659=]LTEKEKEIYR

ClinVar aggregate classification (germline): Likely benign (1 of 4 stars; one submission).

Conditions:
RYR3-related disorder. Also called: RYR3-related condition.

gnomAD v4.1: 12 of 1,593,732 alleles (0.00075%); highest among the groups gnomAD compares: African/African-American, 0.0027%; no homozygotes.

Submission:

PreventionGenetics, part of Exact Sciences
Classification: Likely benign for RYR3-related condition. Last evaluated: 2026-05-08. Review status: criteria provided, single submitter. Criteria: ACMG Guidelines, 2015. Collection method: clinical testing. Allele origin: germline.
Comment: This variant is classified as likely benign based on ACMG/AMP sequence variant interpretation guidelines (Richards et al. 2015 PMID: 25741868, with internal and published modifications).